The following is an entry in ClinVar:

ClinVar aggregate classification (germline): Likely benign. Review status: criteria provided, multiple submitters, no conflicts (2 of 4 stars). 2 submissions from 2 submitters: Likely benign (2). Last evaluated 2025-12-18.

Conditions:
TRIO-related disorder. Also called: TRIO-related disorders; TRIO-related condition.
Inborn genetic diseases. Identifiers: MedGen C0950123, MeSH D030342.

Allele frequency attached by ClinVar (database versions not stated): ExAC 0.00003; gnomAD 0.00003; TOPMed 0.00005; ESP Exome Variant Server 0.00008; gnomAD exomes 0.00011.
gnomAD v4.1: 160 of 1,614,084 alleles (0.0099%); highest among the groups gnomAD compares: Non-Finnish European, 0.013%; no homozygotes.

Submissions (2):

PreventionGenetics, part of Exact Sciences
Classification: Likely benign for TRIO-related condition. Last evaluated: 2025-12-18. Review status: criteria provided, single submitter. Criteria: ACMG Guidelines, 2015. Collection method: clinical testing. Allele origin: germline.
Comment: This variant is classified as likely benign based on ACMG/AMP sequence variant interpretation guidelines (Richards et al. 2015 PMID: 25741868, with internal and published modifications).

Ambry Genetics
Classification: Likely benign for Inborn genetic diseases. Last evaluated: 2023-03-20. Review status: criteria provided, single submitter. Criteria: Ambry Variant Classification Scheme 2023. Collection method: clinical testing. Allele origin: germline.

NM_007118.4(TRIO):c.8459G>A (p.Arg2820Gln)

Gene: TRIO (trio Rho guanine nucleotide exchange factor; plus strand). Cytogenetic location: 5p15.2.
Variant type: single nucleotide variant.
Coding change: c.8459G>A on transcript NM_007118.4 (MANE Select); coding-DNA position 8459, G replaced by A.
Protein change: p.Arg2820Gln; replaces arginine 2820 with glutamine.
Molecular consequence: missense variant. On other transcripts: non-coding transcript variant (1).
Genome position (GRCh38, 1-based): chr5:14,504,440, G>A. VCF-style: chr5-14504440-G-A. GRCh37 (hg19) VCF-style: chr5-14504549-G-A.
Other names: c.8459G>A (NM_007118.3); short protein forms R2820Q.
Identifiers: ClinVar variation 2532637 (VCV002532637.3), dbSNP rs149746078, ClinGen allele CA3207892.